The following is an entry in ClinVar:

NM_015910.7(WDPCP):c.187T>G (p.Tyr63Asp)

Gene: WDPCP (WD repeat containing planar cell polarity effector; minus strand). Cytogenetic location: 2p15.
Variant type: single nucleotide variant.
Coding change: c.187T>G on transcript NM_015910.7 (MANE Select); coding-DNA position 187, T replaced by G.
Protein change: p.Tyr63Asp; replaces tyrosine 63 with aspartic acid.
Molecular consequence: missense variant. On other transcripts: non-coding transcript variant (2).
Genome position (GRCh38, 1-based): chr2:63,487,468, A>C on the plus strand (T>G on the coding strand, the complement: WDPCP is on the minus strand). VCF-style: chr2-63487468-A-C. GRCh37 (hg19) VCF-style: chr2-63714602-A-C.
Other names: c.115T>G, p.Tyr39Asp (NM_001354044.2); c.187T>G, p.Tyr63Asp (NM_001354045.2); c.187T>G (NM_015910.5); short protein forms Y63D, Y39D.
Identifiers: ClinVar variation 2195810 (VCV002195810.4), dbSNP rs753990383, ClinGen allele CA1682585.
Genomic context (GRCh38, chr2:63,487,468, plus strand): 5'-TAGTTAATAAAAATTAATTGCACAGAATAGGTACTTTACCTGGTGGATCTTTCTTGTCAT[A>C]ATACTGGTAGATCCCAATGTCTCTATCTATAGAAAGGAAGAAATAACATTAAATTATGAT-3'
Protein context (NP_056994.3, residues 53-73): ADRDIGIYQY[Tyr63Asp]DKKDPPATEH

ClinVar aggregate classification (germline): Uncertain significance. Review status: criteria provided, multiple submitters, no conflicts (2 of 4 stars). 2 submissions from 2 submitters: Uncertain significance (2). Last evaluated 2025-08-10.

Conditions:
Inborn genetic diseases. Identifiers: MedGen C0950123, MeSH D030342.
Bardet-Biedl syndrome (BBS). Identifiers: Orphanet 110, MedGen C0752166, MONDO:0015229.

Allele frequency attached by ClinVar (database versions not stated): gnomAD exomes below 0.00001; ExAC 0.00001; gnomAD 0.00001; TOPMed 0.00001.
gnomAD v4.1: 5 of 1,594,240 alleles (0.00031%); highest among the groups gnomAD compares: Non-Finnish European, 0.00043%; no homozygotes.

Submissions (2):

Ambry Genetics
Classification: Uncertain significance for Inborn genetic diseases. Last evaluated: 2025-08-10. Review status: criteria provided, single submitter. Criteria: Ambry Variant Classification Scheme 2023. Collection method: clinical testing. Allele origin: germline.

Labcorp Genetics (formerly Invitae), Labcorp
Classification: Uncertain significance for Bardet-Biedl syndrome. Last evaluated: 2022-06-08. Review status: criteria provided, single submitter. Criteria: Invitae Variant Classification Sherloc (09022015). Collection method: clinical testing. Allele origin: germline.
Comment: This sequence change replaces tyrosine, which is neutral and polar, with aspartic acid, which is acidic and polar, at codon 63 of the WDPCP protein (p.Tyr63Asp). In summary, the available evidence is currently insufficient to determine the role of this variant in disease. Therefore, it has been classified as a Variant of Uncertain Significance. Algorithms developed to predict the effect of missense changes on protein structure and function are either unavailable or do not agree on the potential impact of this missense change (SIFT: "Deleterious"; PolyPhen-2: "Possibly Damaging"; Align-GVGD: "Class C15"). This variant has not been reported in the literature in individuals affected with WDPCP-related conditions. This variant is present in population databases (rs753990383, gnomAD 0.002%).